The following is an entry in ClinVar:

NM_000218.3(KCNQ1):c.755G>T (p.Gly252Val)

Gene: KCNQ1 (potassium voltage-gated channel subfamily Q member 1; plus strand). Cytogenetic location: 11p15.5.
Variant type: single nucleotide variant.
Coding change: c.755G>T on transcript NM_000218.3 (MANE Select); coding-DNA position 755, G replaced by T.
Protein change: p.Gly252Val; replaces glycine 252 with valine.
Molecular consequence: missense variant. On other transcripts: intron variant (1).
Genome position (GRCh38, 1-based): chr11:2,572,084, G>T. VCF-style: chr11-2572084-G-T. GRCh37 (hg19) VCF-style: chr11-2593314-G-T.
Other names: c.374G>T, p.Gly125Val (NM_181798.2); c.478-11351G>T (NM_001406838.1); c.755G>T, p.Gly252Val (NM_001406836.1); c.485G>T, p.Gly162Val (NM_001406837.1); short protein forms G162V, G125V, G252V.
Identifiers: ClinVar variation 3672126 (VCV003672126.2).

ClinVar aggregate classification (germline): Uncertain significance (1 of 4 stars; one submission).

Conditions:
Long QT syndrome (LQTS). Identifiers: MedGen C0023976, MeSH D008133, MONDO:0002442. Disease mechanism: loss of function. Inheritance: Various modes of inheritance.

Submission:

Labcorp Genetics (formerly Invitae), Labcorp
Classification: Uncertain significance for Long QT syndrome. Last evaluated: 2024-06-12. Review status: criteria provided, single submitter. Criteria: Invitae Variant Classification Sherloc (09022015). Collection method: clinical testing. Allele origin: germline.
Comment: This sequence change replaces glycine, which is neutral and non-polar, with valine, which is neutral and non-polar, at codon 252 of the KCNQ1 protein (p.Gly252Val). This variant is not present in population databases (gnomAD no frequency). This variant has not been reported in the literature in individuals affected with KCNQ1-related conditions. Advanced modeling of protein sequence and biophysical properties (such as structural, functional, and spatial information, amino acid conservation, physicochemical variation, residue mobility, and thermodynamic stability) performed at Invitae indicates that this missense variant is expected to disrupt KCNQ1 protein function with a positive predictive value of 95%. In summary, the available evidence is currently insufficient to determine the role of this variant in disease. Therefore, it has been classified as a Variant of Uncertain Significance.